The following is an entry in ClinVar:

ClinVar aggregate classification (germline): Uncertain significance. Review status: criteria provided, multiple submitters, no conflicts (2 of 4 stars). 3 submissions from 3 submitters: Uncertain significance (3). Last evaluated 2026-01-19.

Conditions:
Inborn genetic diseases. Identifiers: MedGen C0950123, MeSH D030342.
Joubert syndrome. Also called: CEREBELLOPARENCHYMAL DISORDER IV; JOUBERT-BOLTSHAUSER SYNDROME; Familial aplasia of the vermis. Identifiers: Orphanet 475, MedGen C5979921, MONDO:0018772.
Meckel-Gruber syndrome. Also called: DYSENCEPHALIA SPLANCHNOCYSTICA; GRUBER SYNDROME; Dysencephalia splachnocystica. Identifiers: Orphanet 564, MedGen C0265215, MONDO:0018921.
Meckel syndrome, type 5 (MKS5). Identifiers: Orphanet 564, MedGen C1969052, MONDO:0012695, OMIM 611561.
COACH syndrome 3. Identifiers: MedGen C5436841, MONDO:0030862, OMIM 619113.
Joubert syndrome 7 (JBTS7). Identifiers: Orphanet 220497, MedGen C1969053, MONDO:0012694, OMIM 611560.

Allele frequency attached by ClinVar (database versions not stated): gnomAD 0.00001; gnomAD exomes 0.00001; TOPMed 0.00001.
gnomAD v4.1: 18 of 1,613,948 alleles (0.0011%); highest among the groups gnomAD compares: Non-Finnish European, 0.0015%; no homozygotes.

Submissions (3):

Labcorp Genetics (formerly Invitae), Labcorp
Classification: Uncertain significance for Joubert syndrome; Meckel-Gruber syndrome. Last evaluated: 2026-01-19. Review status: criteria provided, single submitter. Criteria: Invitae Variant Classification Sherloc (09022015). Collection method: clinical testing. Allele origin: germline.
Comment: This sequence change replaces leucine, which is neutral and non-polar, with isoleucine, which is neutral and non-polar, at codon 1181 of the RPGRIP1L protein (p.Leu1181Ile). This variant is present in population databases (no rsID available, gnomAD 0.003%). This variant has not been reported in the literature in individuals affected with RPGRIP1L-related conditions. ClinVar contains an entry for this variant (Variation ID: 1389850). Invitae Evidence Modeling of protein sequence and biophysical properties (such as structural, functional, and spatial information, amino acid conservation, physicochemical variation, residue mobility, and thermodynamic stability) indicates that this missense variant is not expected to disrupt RPGRIP1L protein function with a negative predictive value of 80%. In summary, the available evidence is currently insufficient to determine the role of this variant in disease. Therefore, it has been classified as a Variant of Uncertain Significance.

Ambry Genetics
Classification: Uncertain significance for Inborn genetic diseases. Last evaluated: 2025-01-28. Review status: criteria provided, single submitter. Criteria: Ambry Variant Classification Scheme 2023. Collection method: clinical testing. Allele origin: germline.

Fulgent Genetics
Classification: Uncertain significance for Joubert syndrome 7; Meckel syndrome, type 5; COACH syndrome 3. Last evaluated: 2021-10-29. Review status: criteria provided, single submitter. Criteria: ACMG Guidelines, 2015. Collection method: clinical testing. Allele origin: unknown.

NM_015272.5(RPGRIP1L):c.3541C>A (p.Leu1181Ile)

Gene: RPGRIP1L (RPGRIP1 like; minus strand). Cytogenetic location: 16q12.2.
Variant type: single nucleotide variant.
Coding change: c.3541C>A on transcript NM_015272.5 (MANE Select); coding-DNA position 3541, C replaced by A.
Protein change: p.Leu1181Ile; replaces leucine 1181 with isoleucine.
Molecular consequence: missense variant.
Genome position (GRCh38, 1-based): chr16:53,619,100, G>T on the plus strand (C>A on the coding strand, the complement: RPGRIP1L is on the minus strand). VCF-style: chr16-53619100-G-T. GRCh37 (hg19) VCF-style: chr16-53653012-G-T.
Other names: c.3301C>A, p.Leu1101Ile (NM_001127897.4); c.3403C>A, p.Leu1135Ile (NM_001308334.3); c.3439C>A, p.Leu1147Ile (NM_001330538.2); c.3541C>A (NM_015272.2); short protein forms L1147I, L1101I, L1135I, L1181I.
Identifiers: ClinVar variation 1389850 (VCV001389850.8), dbSNP rs905516252, ClinGen allele CA281356862.